The following is an entry in ClinVar:

ClinVar aggregate classification (germline): Uncertain significance. Review status: criteria provided, multiple submitters, no conflicts (2 of 4 stars). 7 submissions from 7 submitters: Uncertain significance (7). Last evaluated 2025-06-15.

Conditions:
Cardiovascular phenotype. Identifiers: MedGen CN230736.
Dilated cardiomyopathy 1BB (CMD1BB). Also called: CARDIOMYOPATHY, DILATED, 1BB, SUSCEPTIBILITY TO. Identifiers: Orphanet 154, MedGen C2752072, MONDO:0013030, OMIM 612877.
Arrhythmogenic right ventricular dysplasia 10. Also called: Arrhythmogenic right ventricular dysplasia/cardiomyopathy, type 10; Arrhythmogenic Right Ventricular Dysplasia/Cardiomyopathy10; ARRHYTHMOGENIC RIGHT VENTRICULAR DYSPLASIA, FAMILIAL, 10. Identifiers: MedGen C1857777, MONDO:0012434, OMIM 610193.
Arrhythmogenic right ventricular cardiomyopathy (ARVD). Also called: Arrhythmogenic cardiomyopathy; Cardiomyopathy, ARVC; Arrhythmogenic Right Ventricular Cardiomyopathy (ARVC); Arrhythmogenic right ventricular dysplasia. Identifiers: Orphanet 247, MedGen C0349788, MeSH D019571, MONDO:0016587. Disease mechanism: loss of function. Inheritance: Various modes of inheritance.
Cardiomyopathy (CMYO). Also called: Cardiomyopathies. Identifiers: Orphanet 167848, MedGen C0878544, MONDO:0004994, HP:0001638. Inheritance: Various modes of inheritance.

Allele frequency attached by ClinVar (database versions not stated): gnomAD exomes below 0.00001; ExAC 0.00001; TOPMed 0.00001.
gnomAD v4.1: 1 of 1,614,204 alleles (0.000062%); no homozygotes.

Submissions (7):

Ambry Genetics
Classification: Uncertain significance for Cardiovascular phenotype. Last evaluated: 2025-06-15. Review status: criteria provided, single submitter. Criteria: Ambry Variant Classification Scheme 2023. Collection method: clinical testing. Allele origin: germline.
Comment: The p.D419V variant (also known as c.1256A>T), located in coding exon 9 of the DSG2 gene, results from an A to T substitution at nucleotide position 1256. The aspartic acid at codon 419 is replaced by valine, an amino acid with highly dissimilar properties. This amino acid position is highly conserved in available vertebrate species. In addition, this alteration is predicted to be deleterious by in silico analysis. Since supporting evidence is limited at this time, the clinical significance of this alteration remains unclear.

Labcorp Genetics (formerly Invitae), Labcorp
Classification: Uncertain significance for Arrhythmogenic right ventricular dysplasia 10. Last evaluated: 2024-05-07. Review status: criteria provided, single submitter. Criteria: Invitae Variant Classification Sherloc (09022015). Collection method: clinical testing. Allele origin: germline.
Comment: This sequence change replaces aspartic acid, which is acidic and polar, with valine, which is neutral and non-polar, at codon 419 of the DSG2 protein (p.Asp419Val). This variant is not present in population databases (gnomAD no frequency). This variant has not been reported in the literature in individuals affected with DSG2-related conditions. ClinVar contains an entry for this variant (Variation ID: 410367). Advanced modeling of protein sequence and biophysical properties (such as structural, functional, and spatial information, amino acid conservation, physicochemical variation, residue mobility, and thermodynamic stability) has been performed at Invitae for this missense variant, however the output from this modeling did not meet the statistical confidence thresholds required to predict the impact of this variant on DSG2 protein function. In summary, the available evidence is currently insufficient to determine the role of this variant in disease. Therefore, it has been classified as a Variant of Uncertain Significance.

Color Diagnostics, LLC DBA Color Health
Classification: Uncertain significance for Cardiomyopathy. Last evaluated: 2024-03-06. Review status: criteria provided, single submitter. Criteria: ACMG Guidelines, 2015. Collection method: clinical testing. Allele origin: germline.
Comment: This missense variant replaces aspartic acid with valine at codon 419 of the DSG2 protein. Computational prediction suggests that this variant may have deleterious impact on protein structure and function (internally defined REVEL score threshold >= 0.7, PMID: 27666373). To our knowledge, functional studies have not been reported for this variant. This variant has not been reported in individuals affected with cardiovascular disorders in the literature. This variant has been identified in 1/249268 chromosomes in the general population by the Genome Aggregation Database (gnomAD). The available evidence is insufficient to determine the role of this variant in disease conclusively. Therefore, this variant is classified as a Variant of Uncertain Significance.

Blueprint Genetics
Classification: Uncertain significance. Last evaluated: 2023-12-05. Review status: criteria provided, single submitter. Criteria: ACMG Guidelines, 2015. Collection method: clinical testing. Allele origin: germline.

All of Us Research Program, National Institutes of Health
Classification: Uncertain significance for Arrhythmogenic right ventricular cardiomyopathy. Last evaluated: 2023-10-06. Review status: criteria provided, single submitter. Criteria: ACMG Guidelines, 2015. Collection method: clinical testing. Allele origin: germline. Inheritance: Autosomal dominant inheritance. Observed: 2 variant alleles, 2 heterozygotes.
Comment: This missense variant replaces aspartic acid with valine at codon 419 of the DSG2 protein. Computational prediction suggests that this variant may have deleterious impact on protein structure and function (internally defined REVEL score threshold >= 0.7, PMID: 27666373). To our knowledge, functional studies have not been reported for this variant. This variant has not been reported in individuals affected with cardiovascular disorders in the literature. This variant has been identified in 1/249268 chromosomes in the general population by the Genome Aggregation Database (gnomAD). The available evidence is insufficient to determine the role of this variant in disease conclusively. Therefore, this variant is classified as a Variant of Uncertain Significance.

This study involves interpretation of variants in research participants for the purpose of population health screening. Participant phenotype was not available at the time of variant classification. Additional details can be found in publication PMID: 35346344, PMCID: PMC8962531

AiLife Diagnostics
Classification: Uncertain significance. Last evaluated: 2022-01-30. Review status: criteria provided, single submitter. Criteria: ACMG Guidelines, 2015. Collection method: clinical testing. Allele origin: germline. Affected: yes. Observed: 1 variant allele.

Fulgent Genetics
Classification: Uncertain significance for Arrhythmogenic right ventricular dysplasia 10; Dilated cardiomyopathy 1BB. Last evaluated: 2021-08-24. Review status: criteria provided, single submitter. Criteria: ACMG Guidelines, 2015. Collection method: clinical testing. Allele origin: unknown.

NM_001943.5(DSG2):c.1256A>T (p.Asp419Val)

Gene: DSG2 (desmoglein 2; plus strand). Cytogenetic location: 18q12.1.
Variant type: single nucleotide variant.
Coding change: c.1256A>T on transcript NM_001943.5 (MANE Select); coding-DNA position 1256, A replaced by T.
Protein change: p.Asp419Val; replaces aspartic acid 419 with valine.
Molecular consequence: missense variant.
Genome position (GRCh38, 1-based): chr18:31,531,228, A>T. VCF-style: chr18-31531228-A-T. GRCh37 (hg19) VCF-style: chr18-29111191-A-T.
Other names: c.1256A>T (LRG_397t1); short protein forms D419V.
Identifiers: ClinVar variation 410367 (VCV000410367.17), dbSNP rs760135423, ClinGen allele CA041773.